The following is an entry in ClinVar:

ClinVar aggregate classification (germline): Uncertain significance. Review status: criteria provided, multiple submitters, no conflicts (2 of 4 stars). 2 submissions from 2 submitters: Uncertain significance (2). Last evaluated 2019-11-19.

Conditions:
Hereditary cancer-predisposing syndrome. Also called: Hereditary Cancer Syndrome; Neoplastic Syndromes, Hereditary; Tumor predisposition; Hereditary neoplastic syndrome. Identifiers: Orphanet 140162, MedGen C0027672, MeSH D009386, MONDO:0015356.

Submissions (2):

Ambry Genetics
Classification: Uncertain significance for Hereditary cancer-predisposing syndrome. Last evaluated: 2019-11-19. Review status: criteria provided, single submitter. Criteria: Ambry Variant Classification Scheme 2023. Collection method: clinical testing. Allele origin: germline.
Comment: The c.-3A>G variant is located in the 5' untranslated region (5&rsquo; UTR) of the BAP1 gene. This variant results from an A to G substitution 3 bases upstream from the first translated codon. This nucleotide position is highly conserved in available vertebrate species. Since supporting evidence is limited at this time, the clinical significance of this alteration remains unclear.

Color Diagnostics, LLC DBA Color Health
Classification: Uncertain significance for Hereditary cancer-predisposing syndrome. Last evaluated: 2019-03-19. Review status: criteria provided, single submitter. Criteria: ACMG Guidelines, 2015. Collection method: clinical testing. Allele origin: germline.

NM_004656.4(BAP1):c.-3A>G

Gene: BAP1 (BRCA1 associated deubiquitinase 1; minus strand). Cytogenetic location: 3p21.1.
Variant type: single nucleotide variant.
Coding change: c.-3A>G on transcript NM_004656.4 (MANE Select); 3 bases upstream of the start codon, A replaced by G.
Molecular consequence: 5 prime UTR variant.
Genome position (GRCh38, 1-based): chr3:52,409,881, T>C on the plus strand (A>G on the coding strand, the complement: BAP1 is on the minus strand). VCF-style: chr3-52409881-T-C. GRCh37 (hg19) VCF-style: chr3-52443897-T-C.
Identifiers: ClinVar variation 490761 (VCV000490761.8), dbSNP rs1553646425, ClinGen allele CA658683365.